The following is an entry in ClinVar:

NM_003126.4(SPTA1):c.6343C>T (p.Pro2115Ser)

Gene: SPTA1 (spectrin alpha, erythrocytic 1; minus strand). Cytogenetic location: 1q23.1.
Variant type: single nucleotide variant.
Coding change: c.6343C>T on transcript NM_003126.4 (MANE Select); coding-DNA position 6343, C replaced by T.
Protein change: p.Pro2115Ser; replaces proline 2115 with serine.
Molecular consequence: missense variant.
Genome position (GRCh38, 1-based): chr1:158,620,244, G>A on the plus strand (C>T on the coding strand, the complement: SPTA1 is on the minus strand). VCF-style: chr1-158620244-G-A. GRCh37 (hg19) VCF-style: chr1-158590034-G-A.
Other names: short protein forms P2115S.
Identifiers: ClinVar variation 4764854 (VCV004764854.1).

ClinVar aggregate classification (germline): Uncertain significance (1 of 4 stars; one submission).

gnomAD v4.1: 8 of 1,614,122 alleles (0.0005%); highest among the groups gnomAD compares: Non-Finnish European, 0.00068%; no homozygotes.

Submission:

Labcorp Genetics (formerly Invitae), Labcorp
Classification: Uncertain significance. Last evaluated: 2025-02-27. Review status: criteria provided, single submitter. Criteria: Invitae Variant Classification Sherloc (09022015). Collection method: clinical testing. Allele origin: germline.
Comment: This sequence change replaces proline, which is neutral and non-polar, with serine, which is neutral and polar, at codon 2115 of the SPTA1 protein (p.Pro2115Ser). This variant is present in population databases (rs145017824, gnomAD 0.002%). This variant has not been reported in the literature in individuals affected with SPTA1-related conditions. Invitae Evidence Modeling of protein sequence and biophysical properties (such as structural, functional, and spatial information, amino acid conservation, physicochemical variation, residue mobility, and thermodynamic stability) indicates that this missense variant is not expected to disrupt SPTA1 protein function with a negative predictive value of 80%. In summary, the available evidence is currently insufficient to determine the role of this variant in disease. Therefore, it has been classified as a Variant of Uncertain Significance.